The following is an entry in ClinVar:

NM_001365951.3(KIF1B):c.1174A>G (p.Ile392Val)

Gene: KIF1B (kinesin family member 1B; plus strand). Cytogenetic location: 1p36.22.
Variant type: single nucleotide variant.
Coding change: c.1174A>G on transcript NM_001365951.3 (MANE Select); coding-DNA position 1174, A replaced by G.
Protein change: p.Ile392Val; replaces isoleucine 392 with valine.
Molecular consequence: missense variant.
Genome position (GRCh38, 1-based): chr1:10,278,122, A>G. VCF-style: chr1-10278122-A-G. GRCh37 (hg19) VCF-style: chr1-10338180-A-G.
Other names: c.1174A>G, p.Ile392Val (NM_001365952.1); c.1156A>G, p.Ile386Val (NM_001365953.1, NM_015074.3, NM_183416.4); short protein forms I386V, I392V.
Identifiers: ClinVar variation 3534077 (VCV003534077.1).

ClinVar aggregate classification (germline): Uncertain significance (1 of 4 stars; one submission).

Submission:

Ambry Genetics
Classification: Uncertain significance. Last evaluated: 2024-11-11. Review status: criteria provided, single submitter. Criteria: Ambry Variant Classification Scheme 2023. Collection method: clinical testing. Allele origin: germline.
Comment: The p.I386V variant (also known as c.1156A>G), located in coding exon 11 of the KIF1B gene, results from an A to G substitution at nucleotide position 1156. The isoleucine at codon 386 is replaced by valine, an amino acid with highly similar properties. This amino acid position is conserved. In addition, this alteration is predicted to be tolerated by in silico analysis. Based on the available evidence, the clinical significance of this variant remains unclear.